The following is an entry in ClinVar:

ClinVar aggregate classification (germline): Uncertain significance. Review status: criteria provided, multiple submitters, no conflicts (2 of 4 stars). 2 submissions from 2 submitters: Uncertain significance (2). Last evaluated 2024-06-08.

Conditions:
Long QT syndrome (LQTS). Identifiers: MedGen C0023976, MeSH D008133, MONDO:0002442. Disease mechanism: loss of function. Inheritance: Various modes of inheritance.
Cardiovascular phenotype. Identifiers: MedGen CN230736.

Allele frequency attached by ClinVar (database versions not stated): TOPMed 0.00001.

Submissions (2):

Labcorp Genetics (formerly Invitae), Labcorp
Classification: Uncertain significance for Long QT syndrome. Last evaluated: 2024-06-08. Review status: criteria provided, single submitter. Criteria: Invitae Variant Classification Sherloc (09022015). Collection method: clinical testing. Allele origin: germline.
Comment: This sequence change replaces threonine, which is neutral and polar, with alanine, which is neutral and non-polar, at codon 819 of the CACNA1C protein (p.Thr819Ala). This variant is not present in population databases (gnomAD no frequency). This variant has not been reported in the literature in individuals affected with CACNA1C-related conditions. ClinVar contains an entry for this variant (Variation ID: 942622). Advanced modeling of protein sequence and biophysical properties (such as structural, functional, and spatial information, amino acid conservation, physicochemical variation, residue mobility, and thermodynamic stability) performed at Invitae indicates that this missense variant is not expected to disrupt CACNA1C protein function with a negative predictive value of 95%. In summary, the available evidence is currently insufficient to determine the role of this variant in disease. Therefore, it has been classified as a Variant of Uncertain Significance.

Ambry Genetics
Classification: Uncertain significance for Cardiovascular phenotype. Last evaluated: 2020-03-19. Review status: criteria provided, single submitter. Criteria: Ambry Variant Classification Scheme 2023. Collection method: clinical testing. Allele origin: germline.
Comment: The p.T819A variant (also known as c.2455A>G), located in coding exon 17 of the CACNA1C gene, results from an A to G substitution at nucleotide position 2455. The threonine at codon 819 is replaced by alanine, an amino acid with similar properties. This amino acid position is highly conserved in available vertebrate species. In addition, the in silico prediction for this alteration is inconclusive. Since supporting evidence is limited at this time, the clinical significance of this alteration remains unclear.

NM_000719.7(CACNA1C):c.2455A>G (p.Thr819Ala)

Gene: CACNA1C (calcium voltage-gated channel subunit alpha1 C; plus strand). Cytogenetic location: 12p13.33.
Variant type: single nucleotide variant.
Coding change: c.2455A>G on transcript NM_000719.7 (MANE Select); coding-DNA position 2455, A replaced by G.
Protein change: p.Thr819Ala; replaces threonine 819 with alanine.
Molecular consequence: missense variant.
Genome position (GRCh38, 1-based): chr12:2,585,491, A>G. VCF-style: chr12-2585491-A-G. GRCh37 (hg19) VCF-style: chr12-2694657-A-G.
Other names: c.2455A>G, p.Thr819Ala (NM_001129827.2, NM_001129829.2, NM_001129830.3 and 18 more transcripts); c.2446A>G, p.Thr816Ala (NM_001129844.2); short protein forms T816A, T819A.
Identifiers: ClinVar variation 942622 (VCV000942622.12), dbSNP rs1453935757, ClinGen allele CA383371851.